The following is an entry in ClinVar:

NM_004370.6(COL12A1):c.1748A>T (p.Glu583Val)

Gene: COL12A1 (collagen type XII alpha 1 chain; minus strand). Cytogenetic location: 6q13.
Variant type: single nucleotide variant.
Coding change: c.1748A>T on transcript NM_004370.6 (MANE Select); coding-DNA position 1748, A replaced by T.
Protein change: p.Glu583Val; replaces glutamic acid 583 with valine.
Molecular consequence: missense variant. On other transcripts: intron variant (2).
Genome position (GRCh38, 1-based): chr6:75,183,193, T>A on the plus strand (A>T on the coding strand, the complement: COL12A1 is on the minus strand). VCF-style: chr6-75183193-T-A. GRCh37 (hg19) VCF-style: chr6-75892909-T-A.
Other names: c.1748A>T, p.Glu583Val (NM_001424113.1, NM_001424114.1, NM_001424115.1); c.73+19527A>T (NM_001424116.1, NM_080645.3); short protein forms E583V.
Identifiers: ClinVar variation 4884970 (VCV004884970.2).

ClinVar aggregate classification (germline): Uncertain significance (1 of 4 stars; one submission).

Submission:

Dasa
Classification: Uncertain significance. Last evaluated: 2026-01-08. Review status: criteria provided, single submitter. Criteria: DASA Assertion Criteria. Collection method: clinical testing. Allele origin: germline.
Comment: NM_004370.6(COL12A1):c.1748A>T (p.Glu583Val) is a missense variant that results in the substitution of glutamic acid with valine. This variant is absent from population databases. Computational prediction algorithms are consistent with a deleterious effect. The currently available literature and clinical evidence are not sufficient to establish a definitive association between this variant and the reported condition. Therefore, this variant is classified as a variant of uncertain significance.